The following is an entry in ClinVar:

ClinVar aggregate classification (germline): Uncertain significance. Review status: criteria provided, multiple submitters, no conflicts (2 of 4 stars). 2 submissions from 2 submitters: Uncertain significance (2). Last evaluated 2025-01-19.

Allele frequency attached by ClinVar (database versions not stated): ExAC 0.00003; gnomAD exomes 0.00007.
gnomAD v4.1: 110 of 1,614,036 alleles (0.0068%); highest among the groups gnomAD compares: Middle Eastern, 0.016%; no homozygotes.

Submissions (2):

Labcorp Genetics (formerly Invitae), Labcorp
Classification: Uncertain significance. Last evaluated: 2025-01-19. Review status: criteria provided, single submitter. Criteria: Invitae Variant Classification Sherloc (09022015). Collection method: clinical testing. Allele origin: germline.
Comment: This sequence change replaces aspartic acid, which is acidic and polar, with asparagine, which is neutral and polar, at codon 1737 of the FN1 protein (p.Asp1737Asn). This variant is present in population databases (rs762429904, gnomAD 0.004%). This variant has not been reported in the literature in individuals affected with FN1-related conditions. ClinVar contains an entry for this variant (Variation ID: 2571117). An algorithm developed to predict the effect of missense changes on protein structure and function outputs the following: PolyPhen-2: "Benign". The asparagine amino acid residue is found in multiple mammalian species, which suggests that this missense change does not adversely affect protein function. In summary, the available evidence is currently insufficient to determine the role of this variant in disease. Therefore, it has been classified as a Variant of Uncertain Significance.

CeGaT Center for Human Genetics Tuebingen
Classification: Uncertain significance. Last evaluated: 2023-06-01. Review status: criteria provided, single submitter. Criteria: CeGaT Center For Human Genetics Tuebingen Variant Classification Criteria Version 2. Collection method: clinical testing. Allele origin: germline. Affected: yes. Observed: 1 variant allele.

NM_212482.4(FN1):c.5209G>A (p.Asp1737Asn)

Gene: FN1 (fibronectin 1; minus strand). Cytogenetic location: 2q35.
Variant type: single nucleotide variant.
Coding change: c.5209G>A on transcript NM_212482.4 (MANE Select); coding-DNA position 5209, G replaced by A.
Protein change: p.Asp1737Asn; replaces aspartic acid 1737 with asparagine.
Molecular consequence: missense variant. On other transcripts: intron variant (10).
Genome position (GRCh38, 1-based): chr2:215,381,036, C>T on the plus strand (G>A on the coding strand, the complement: FN1 is on the minus strand). VCF-style: chr2-215381036-C-T. GRCh37 (hg19) VCF-style: chr2-216245759-C-T.
Other names: c.5209G>A, p.Asp1737Asn (NM_001306129.2); c.4936G>A, p.Asp1646Asn (NM_001365518.2, NM_001365520.2, NM_001365524.2 and 2 more transcripts); c.4891+1176G>A (NM_212474.3, NM_001306132.2, NM_001365523.2 and 2 more transcripts); c.5164+1176G>A (NM_001306130.2, NM_001365522.2, NM_001365519.2 and 2 more transcripts); short protein forms D1646N, D1737N.
Identifiers: ClinVar variation 2571117 (VCV002571117.29), dbSNP rs762429904, ClinGen allele CA2094191.